The following is an entry in ClinVar:

ClinVar aggregate classification (germline): Uncertain significance. Review status: criteria provided, multiple submitters, no conflicts (2 of 4 stars). 2 submissions from 2 submitters: Uncertain significance (2). Last evaluated 2026-07-08.

Conditions:
Inborn genetic diseases. Identifiers: MedGen C0950123, MeSH D030342.

gnomAD v4.1: 8 of 1,603,494 alleles (0.0005%); highest among the groups gnomAD compares: South Asian, 0.0022%; no homozygotes.

Submissions (2):

Ambry Genetics
Classification: Uncertain significance for Inborn genetic diseases. Last evaluated: 2026-07-08. Review status: criteria provided, single submitter. Criteria: Ambry Variant Classification Scheme 2023. Collection method: clinical testing. Allele origin: germline.
Comment: The c.4022G>A (p.R1341Q) alteration is located in exon 34 (coding exon 34) of the PI4KA gene. This alteration results from a G to A substitution at nucleotide position 4022, causing the arginine (R) at amino acid position 1341 to be replaced by a glutamine (Q). Based on data from gnomAD, the A allele has an overall frequency of 0.001% (3/282508) total alleles studied. The highest observed frequency was 0.004% (1/24964) of African alleles. Based on insufficient or conflicting evidence, the clinical significance of this alteration remains unclear.

GeneDx
Classification: Uncertain significance. Last evaluated: 2025-04-09. Review status: criteria provided, single submitter. Criteria: GeneDx Variant Classification Process June 2021. Collection method: clinical testing. Allele origin: germline. Affected: yes.
Comment: In silico analysis indicates that this missense variant does not alter protein structure/function; Has not been previously published as pathogenic or benign to our knowledge

NM_058004.4(PI4KA):c.4022G>A (p.Arg1341Gln)

Gene: PI4KA (phosphatidylinositol 4-kinase alpha; minus strand). Cytogenetic location: 22q11.21.
Variant type: single nucleotide variant.
Coding change: c.4022G>A on transcript NM_058004.4 (MANE Select); coding-DNA position 4022, G replaced by A.
Protein change: p.Arg1341Gln; replaces arginine 1341 with glutamine.
Molecular consequence: missense variant.
Genome position (GRCh38, 1-based): chr22:20,734,073, C>T on the plus strand (G>A on the coding strand, the complement: PI4KA is on the minus strand). VCF-style: chr22-20734073-C-T. GRCh37 (hg19) VCF-style: chr22-21088361-C-T.
Other names: c.3929G>A, p.Arg1310Gln (NM_001362862.2); c.3956G>A, p.Arg1319Gln (NM_001362863.2); short protein forms R1310Q, R1319Q, R1341Q.
Identifiers: ClinVar variation 4281779 (VCV004281779.2).